The following is an entry in ClinVar:

ClinVar aggregate classification (germline): Uncertain significance. Review status: criteria provided, multiple submitters, no conflicts (2 of 4 stars). 3 submissions from 3 submitters: Uncertain significance (3). Last evaluated 2025-06-03.

Conditions:
Epidermolysis bullosa simplex 5B, with muscular dystrophy (EBS5B). Also called: EPIDERMOLYSIS BULLOSA SIMPLEX AND LIMB-GIRDLE MUSCULAR DYSTROPHY; Epidermolysis bullosa simplex with muscular dystrophy. Identifiers: Orphanet 257, MedGen C2931072, MONDO:0009181, OMIM 226670.
Epidermolysis bullosa simplex with nail dystrophy (EBS5D). Identifiers: MedGen C4225309, MONDO:0014661, OMIM 616487.
Epidermolysis bullosa simplex, Ogna type (EBS5A). Also called: Pidermolysis bullosa simplex 5A, Ogna type; EPIDERMOLYSIS BULLOSA SIMPLEX 5A, OGNA TYPE. Identifiers: Orphanet 79401, MedGen C0432317, MONDO:0007555, OMIM 131950.
Autosomal recessive limb-girdle muscular dystrophy type 2Q (LGMDR17). Also called: MUSCULAR DYSTROPHY, LIMB-GIRDLE, AUTOSOMAL RECESSIVE 17. Identifiers: Orphanet 254361, MedGen C3150989, MONDO:0013390, OMIM 613723.
Epidermolysis bullosa simplex 5C, with pyloric atresia (EBS5C). Also called: PLEC-Related Epidermolysis Bullosa with Pyloric Atresia; Epidermolysis bullosa simplex with pyloric atresia; PLEC1-Related Epidermolysis Bullosa with Pyloric Atresia. Identifiers: Orphanet 158684, MedGen C2677349, MONDO:0012807, OMIM 612138.
Inborn genetic diseases. Identifiers: MedGen C0950123, MeSH D030342.

Allele frequency attached by ClinVar (database versions not stated): gnomAD exomes below 0.00001; TOPMed below 0.00001; gnomAD 0.00001.
gnomAD v4.1: 2 of 1,613,462 alleles (0.00012%); highest among the groups gnomAD compares: Non-Finnish European, 0.00017%; no homozygotes.

Submissions (3):

Labcorp Genetics (formerly Invitae), Labcorp
Classification: Uncertain significance for Autosomal recessive limb-girdle muscular dystrophy type 2Q; Epidermolysis bullosa simplex, Ogna type; Epidermolysis bullosa simplex with nail dystrophy; Epidermolysis bullosa simplex 5C, with pyloric atresia; Epidermolysis bullosa simplex 5B, with muscular dystrophy. Last evaluated: 2025-06-03. Review status: criteria provided, single submitter. Criteria: Invitae Variant Classification Sherloc (09022015). Collection method: clinical testing. Allele origin: germline.
Comment: This sequence change replaces threonine, which is neutral and polar, with methionine, which is neutral and non-polar, at codon 4076 of the PLEC protein (p.Thr4076Met). This variant is not present in population databases (gnomAD no frequency). This variant has not been reported in the literature in individuals affected with PLEC-related conditions. ClinVar contains an entry for this variant (Variation ID: 1678549). Invitae Evidence Modeling of protein sequence and biophysical properties (such as structural, functional, and spatial information, amino acid conservation, physicochemical variation, residue mobility, and thermodynamic stability) has been performed for this missense variant. However, the output from this modeling did not meet the statistical confidence thresholds required to predict the impact of this variant on PLEC protein function. In summary, the available evidence is currently insufficient to determine the role of this variant in disease. Therefore, it has been classified as a Variant of Uncertain Significance.

Ambry Genetics
Classification: Uncertain significance for Inborn genetic diseases. Last evaluated: 2024-01-08. Review status: criteria provided, single submitter. Criteria: Ambry Variant Classification Scheme 2023. Collection method: clinical testing. Allele origin: germline.

Molecular Genetics, Royal Melbourne Hospital
Classification: Uncertain significance for Autosomal recessive limb-girdle muscular dystrophy type 2Q. Last evaluated: 2020-11-20. Review status: criteria provided, single submitter. Criteria: ACMG Guidelines, 2015. Collection method: clinical testing. Allele origin: germline.
Comment: This sequence change is predicted to replace threonine with methionine at codon 4076 of the PLEC protein (p.Thr4076Met). The threonine residue is evolutionary invariant (100 vertebrates, UCSC), and located in the plectin 25 repeat in the globular 2 region. There is a moderate physicochemical difference between threonine and methionine. The variant is absent in a large population cohort (PM2; gnomAD v2.1), and has not been reported in relevant medical literature or databases. Multiple lines of computational evidence predict a deleterious effect for the missense substitution (PP3; 6/6 algorithms). Based on the classification scheme RMH ACMG Guidelines v1.2.1, this variant is classified as VARIANT OF UNCERTAIN SIGNIFICANCE. Following criteria are met: PM2, PP3.

NM_201384.3(PLEC):c.12146C>T (p.Thr4049Met)

Gene: PLEC (plectin; minus strand). Cytogenetic location: 8q24.3.
Variant type: single nucleotide variant.
Coding change: c.12146C>T on transcript NM_201384.3 (MANE Select); coding-DNA position 12146, C replaced by T.
Protein change: p.Thr4049Met; replaces threonine 4049 with methionine.
Molecular consequence: missense variant.
Genome position (GRCh38, 1-based): chr8:143,917,675, G>A on the plus strand (C>T on the coding strand, the complement: PLEC is on the minus strand). VCF-style: chr8-143917675-G-A. GRCh37 (hg19) VCF-style: chr8-144991843-G-A.
Other names: c.12227C>T, p.Thr4076Met (NM_000445.5); c.12104C>T, p.Thr4035Met (NM_201378.4); c.12080C>T, p.Thr4027Met (NM_201379.3); c.12557C>T, p.Thr4186Met (NM_201380.4); c.12050C>T, p.Thr4017Met (NM_201381.3); c.12146C>T, p.Thr4049Met (NM_201382.4); c.12158C>T, p.Thr4053Met (NM_201383.3); c.12227C>T (NM_000445.3); short protein forms T4017M, T4027M, T4035M, T4049M, T4053M, T4076M, T4186M.
Identifiers: ClinVar variation 1678549 (VCV001678549.4), dbSNP rs1277411906, ClinGen allele CA372485745.